The following is an entry in ClinVar:

ClinVar aggregate classification (germline): Pathogenic. Review status: criteria provided, multiple submitters, no conflicts (2 of 4 stars). 3 submissions from 3 submitters: Pathogenic (3). Last evaluated 2026-07-01.

Conditions:
Glycogen storage disease, type II (IOPD). Also called: CARDIOMEGALIA GLYCOGENICA DIFFUSA; GLYCOGENOSIS, GENERALIZED, CARDIAC FORM; GSD II; POMPE DISEASE, INFANTILE-ONSET; GLYCOGEN STORAGE DISEASE II, INFANTILE-ONSET; ACID ALPHA-GLUCOSIDASE DEFICIENCY, INFANTILE-ONSET. Identifiers: Orphanet 365, MedGen C0017921, MONDO:0009290, OMIM 232300.

Submissions (3):

Genomenon, Inc
Classification: Pathogenic for Glycogen storage disease, type II. Last evaluated: 2026-07-01. Review status: criteria provided, single submitter. Criteria: Genomenon Sequence Variant Interpretation Standards - Updated. Collection method: curation. Allele origin: germline. Affected: yes.
Comment: GAA p.Thr153ArgfsTer14 (c.456_457dup) is a frameshift variant that is predicted to introduce a premature termination codon and result in a truncated or absent protein product. This variant has been observed in at least one proband with a GAA-related disorder (PMID:33202836). It is absent or not present at a significant frequency in gnomAD. In conclusion, we classify GAA p.Thr153ArgfsTer14 (c.456_457dup) as a pathogenic variant.

GeneDx
Classification: Pathogenic. Last evaluated: 2025-06-16. Review status: criteria provided, single submitter. Criteria: GeneDx Variant Classification Process June 2021. Collection method: clinical testing. Allele origin: germline. Affected: yes.
Comment: Frameshift variant predicted to result in protein truncation or nonsense mediated decay in a gene for which loss of function is a known mechanism of disease; Not observed at significant frequency in large population cohorts (gnomAD); Observed with a second variant in GAA in an individual with reduced GAA activity on newborn screening (PMID: 33202836); This variant is associated with the following publications: (PMID: 33202836)

Labcorp Genetics (formerly Invitae), Labcorp
Classification: Pathogenic for Glycogen storage disease, type II. Last evaluated: 2025-04-28. Review status: criteria provided, single submitter. Criteria: Invitae Variant Classification Sherloc (09022015). Collection method: clinical testing. Allele origin: germline.
Comment: This sequence change creates a premature translational stop signal (p.Thr153Argfs*14) in the GAA gene. It is expected to result in an absent or disrupted protein product. Loss-of-function variants in GAA are known to be pathogenic (PMID: 18425781, 22252923). This variant is not present in population databases (gnomAD no frequency). This premature translational stop signal has been observed in individual(s) with Pompe disease (PMID: 33202836). ClinVar contains an entry for this variant (Variation ID: 1447928). For these reasons, this variant has been classified as Pathogenic.

Literature cited by the submitters: PubMed 33202836 (cited by Genomenon, Inc and Labcorp Genetics (formerly Invitae), Labcorp); PubMed 18425781 (cited by Labcorp Genetics (formerly Invitae), Labcorp); PubMed 22252923 (cited by Labcorp Genetics (formerly Invitae), Labcorp).

NM_000152.5(GAA):c.456_457dup (p.Thr153fs)

Gene: GAA (alpha glucosidase; plus strand). Cytogenetic location: 17q25.3.
Variant type: Duplication.
Coding change: c.456_457dup on transcript NM_000152.5 (MANE Select); coding-DNA positions 456 to 457, 2 bases duplicated (GA; older notation c.456_457dupGA).
Protein change: p.Thr153fs; shifts the reading frame from threonine 153.
Molecular consequence: frameshift variant.
Genome position (GRCh38, 1-based): chr17:80,105,042-80,105,043, GA duplicated. VCF-style (leftmost placement, unchanged base first): chr17-80105041-T-TGA. GRCh37 (hg19) VCF-style: chr17-78078840-T-TGA.
Other names: c.456_457dup (NM_000152.3); c.456_457dup, p.Thr153fs (NM_001079803.3, NM_001079804.3); short protein forms T153fs.
Identifiers: ClinVar variation 1447928 (VCV001447928.8), dbSNP rs2143829023, ClinGen allele CA2573154927.